The following is an entry in ClinVar:

ClinVar aggregate classification (germline): Uncertain significance (1 of 4 stars; one submission).

Conditions:
PRRT2-Related Disorder. Also called: PRRT2-related disorders. Identifiers: MedGen CN381059.

Submission:

PreventionGenetics, part of Exact Sciences
Classification: Uncertain significance for PRRT2-related condition. Last evaluated: 2023-04-03. Review status: criteria provided, single submitter. Criteria: ACMG Guidelines, 2015. Collection method: clinical testing. Allele origin: germline.
Comment: The PRRT2 c.224C>G variant is predicted to result in the amino acid substitution p.Pro75Arg. To our knowledge, this variant has not been reported in the literature or in a large population database, indicating this variant is rare. An alternate missense variant (p.Pro75Leu) has been reported to be maternally inherited in a patient with a personal and family history of seizures (Luo et al. 2021. PubMed ID: 34041212). At this time, the clinical significance of this variant is uncertain due to the absence of conclusive functional and genetic evidence.

NM_145239.3(PRRT2):c.224C>G (p.Pro75Arg)

Genes: MVP-DT (MVP divergent transcript; minus strand), PRRT2 (proline rich transmembrane protein 2; plus strand). Cytogenetic location: 16p11.2.
Variant type: single nucleotide variant.
Coding change: c.224C>G on transcript NM_145239.3 (MANE Select); coding-DNA position 224, C replaced by G.
Protein change: p.Pro75Arg; replaces proline 75 with arginine.
Molecular consequence: missense variant.
Genome position (GRCh38, 1-based): chr16:29,813,278, C>G. VCF-style: chr16-29813278-C-G. GRCh37 (hg19) VCF-style: chr16-29824599-C-G.
Other names: c.224C>G, p.Pro75Arg (NM_001256442.2, NM_001256443.2); short protein forms P75R.
Identifiers: ClinVar variation 2633498 (VCV002633498.1), dbSNP rs147004110, ClinGen allele CA395477742.
Genomic context (GRCh38, chr16:29,813,278, plus strand): 5'-CTGCGGCCCCTGTGGACTCAGGGCCCAAGGCTGGGCTGGCTCCAGAAACCACAGAGACCC[C>G]GGCTGGGGCCTCAGAAACAGCCCAGGCCACAGACCTCAGCTTAAGCCCAGGAGGGGAATC-3'
Protein context (NP_660282.2, residues 65-85): AGLAPETTET[Pro75Arg]AGASETAQAT